The following is an entry in ClinVar:

ClinVar aggregate classification (germline): Benign. Review status: criteria provided, multiple submitters, no conflicts (2 of 4 stars). 2 submissions from 2 submitters: Benign (2). Last evaluated 2018-06-18.

Allele frequency attached by ClinVar (database versions not stated): 1000 Genomes Project 0.99974; TOPMed 0.99978; gnomAD 0.99962; 1000 Genomes Project 30x 0.99979; gnomAD exomes 0.99994.

Submissions (2):

GeneDx
Classification: Benign. Last evaluated: 2018-06-18. Review status: criteria provided, single submitter. Criteria: GeneDx Variant Classification (06012015). Collection method: clinical testing. Allele origin: germline. Affected: yes.
Comment: This variant is considered likely benign or benign based on one or more of the following criteria: it is a conservative change, it occurs at a poorly conserved position in the protein, it is predicted to be benign by multiple in silico algorithms, and/or has population frequency not consistent with disease.

Breakthrough Genomics
Classification: Benign. Review status: criteria provided, single submitter. Criteria: ACMG Guidelines, 2015. Collection method: not provided. Allele origin: germline. Inheritance: X-linked inheritance. Affected: yes.

NM_001184880.1(PCDH19):c.-1738G>C

Gene: PCDH19 (protocadherin 19; minus strand). Cytogenetic location: Xq22.1.
Variant type: single nucleotide variant.
Coding change: c.-1738G>C on transcript NM_001184880.1; 1738 bases upstream of the start codon, G replaced by C.
Genome position (GRCh38, 1-based): chrX:100,410,335, C>G on the plus strand (G>C on the coding strand, the complement: PCDH19 is on the minus strand). VCF-style: chrX-100410335-C-G. GRCh37 (hg19) VCF-style: chrX-99665333-C-G.
Identifiers: ClinVar variation 670592 (VCV000670592.4), dbSNP rs5967130, ClinGen allele CA333826285.